The following is an entry in ClinVar:

ClinVar aggregate classification (germline): Likely benign (1 of 4 stars; one submission).

Submission:

Center for Pediatric Genomic Medicine, Children's Mercy Hospital and Clinics
Classification: Likely benign. Last evaluated: 2016-12-02. Review status: criteria provided, single submitter. Criteria: ACMG Guidelines, 2015. Collection method: clinical testing. Allele origin: germline.
ClinVar note: Converted during submission from Likely Benign to Likely benign.

NC_012920.1(MT-CO2):m.8260T>C

Gene: MT-CO2 (mitochondrially encoded cytochrome c oxidase II; plus strand).
Variant type: single nucleotide variant.
Genome position: chrM-8260-T-C.
Identifiers: ClinVar variation 377045 (VCV000377045.3), dbSNP rs1057520115, ClinGen allele CA16603245.
Genomic context (GRCh38, chrMT:8,260, plus strand): 5'-TTTCATGCCCATCGTCCTAGAATTAATTCCCCTAAAAATCTTTGAAATAGGGCCCGTATT[T>C]ACCCTATAGCACCCCCTCTACCCCCTCTAGAGCCCACTGTAAAGCTAACTTAGCATTAAC-3'